The following is an entry in ClinVar:

NM_001161352.2(KCNMA1):c.3625A>G (p.Ile1209Val)

Gene: KCNMA1 (potassium calcium-activated channel subfamily M alpha 1; minus strand). Cytogenetic location: 10q22.3.
Variant type: single nucleotide variant.
Coding change: c.3625A>G on transcript NM_001161352.2 (MANE Select); coding-DNA position 3625, A replaced by G.
Protein change: p.Ile1209Val; replaces isoleucine 1209 with valine.
Molecular consequence: missense variant.
Genome position (GRCh38, 1-based): chr10:76,887,352, T>C on the plus strand (A>G on the coding strand, the complement: KCNMA1 is on the minus strand). VCF-style: chr10-76887352-T-C. GRCh37 (hg19) VCF-style: chr10-78647110-T-C.
Other names: c.3463A>G, p.Ile1155Val (NM_001014797.3); c.3574A>G, p.Ile1192Val (NM_001161353.2); c.3301A>G, p.Ile1101Val (NM_001271518.2); c.3541A>G, p.Ile1181Val (NM_001271519.2); c.3460A>G, p.Ile1154Val (NM_001322829.2, NM_001322836.2); c.3553A>G, p.Ile1185Val (NM_001322830.2); c.3451A>G, p.Ile1151Val (NM_001322832.2, NM_001410940.1, NM_002247.4); c.3544A>G, p.Ile1182Val (NM_001322835.2, NM_001322837.2); and 1 more; short protein forms I1000V, I1101V, I1151V, I1154V, I1155V, I1181V, I1182V, I1185V.
Identifiers: ClinVar variation 1712234 (VCV001712234.4), dbSNP rs2548004416, ClinGen allele CA377402617.

ClinVar aggregate classification (germline): Uncertain significance. Review status: criteria provided, multiple submitters, no conflicts (2 of 4 stars). 2 submissions from 2 submitters: Uncertain significance (2). Last evaluated 2022-06-27.

Allele frequency attached by ClinVar (database versions not stated): gnomAD exomes below 0.00001.
gnomAD v4.1: 1 of 1,614,048 alleles (0.000062%); no homozygotes.

Submissions (2):

Revvity Omics, Revvity
Classification: Uncertain significance. Last evaluated: 2022-06-27. Review status: criteria provided, single submitter. Criteria: ACMG Guidelines, 2015. Collection method: clinical testing. Allele origin: germline.

GeneDx
Classification: Uncertain significance. Last evaluated: 2022-04-20. Review status: criteria provided, single submitter. Criteria: GeneDx Variant Classification Process June 2021. Collection method: clinical testing. Allele origin: germline. Affected: yes.
Comment: Not observed at significant frequency in large population cohorts (gnomAD); In silico analysis supports that this missense variant does not alter protein structure/function; Has not been previously published as pathogenic or benign to our knowledge